The following is an entry in ClinVar:

NM_001035.3(RYR2):c.10901A>T (p.His3634Leu)

Gene: RYR2 (ryanodine receptor 2; plus strand). Cytogenetic location: 1q43.
Variant type: single nucleotide variant.
Coding change: c.10901A>T on transcript NM_001035.3 (MANE Select); coding-DNA position 10901, A replaced by T.
Protein change: p.His3634Leu; replaces histidine 3634 with leucine.
Molecular consequence: missense variant.
Genome position (GRCh38, 1-based): chr1:237,730,322, A>T. VCF-style: chr1-237730322-A-T. GRCh37 (hg19) VCF-style: chr1-237893622-A-T.
Other names: short protein forms H3634L.
Identifiers: ClinVar variation 3385835 (VCV003385835.1).
Genomic context (GRCh38, chr1:237,730,322, plus strand): 5'-ATCGGGCTGTCAATCTCTTTCTTCAGGGATATGAAAAGTCTTGGATTGAAACAGAAGAAC[A>T]TTACTTTGAAGATAAACTGATAGAAGATTTAGCAGTATGTTTTTAGTGGGGCTCTAAGAT-3'
Protein context (NP_001026.2, residues 3624-3644): YEKSWIETEE[His3634Leu]YFEDKLIEDL

ClinVar aggregate classification (germline): Uncertain significance (1 of 4 stars; one submission).

Conditions:
Catecholaminergic polymorphic ventricular tachycardia (CVPT). Also called: Catecholamine-induced polymorphic ventricular tachycardia. Identifiers: Orphanet 3286, MedGen C5574922, MONDO:0017990.

Submission:

All of Us Research Program, National Institutes of Health
Classification: Uncertain significance for Catecholaminergic polymorphic ventricular tachycardia. Last evaluated: 2024-07-29. Review status: criteria provided, single submitter. Criteria: ACMG Guidelines, 2015. Collection method: clinical testing. Allele origin: germline. Inheritance: Autosomal dominant inheritance. Observed: 1 variant allele, 1 heterozygote.
Comment: This missense variant replaces histidine with leucine at codon 3634 of the RYR2 protein. Computational prediction is inconclusive regarding the impact of this variant on protein structure and function (internally defined REVEL score threshold 0.5 < inconclusive < 0.7, PMID: 27666373). To our knowledge, functional studies have not been reported for this variant. This variant has not been reported in individuals affected with RYR2-related disorders in the literature. This variant has not been identified in the general population by the Genome Aggregation Database (gnomAD). The available evidence is insufficient to determine the role of this variant in disease conclusively. Therefore, this variant is classified as a Variant of Uncertain Significance.

This study involves interpretation of variants in research participants for the purpose of population health screening. Participant phenotype was not available at the time of variant classification. Additional details can be found in publication PMID: 35346344, PMCID: PMC8962531